The following is an entry in ClinVar:

NM_001933.5(DLST):c.1091T>C (p.Met364Thr)

Gene: DLST (dihydrolipoamide S-succinyltransferase; plus strand). Cytogenetic location: 14q24.3.
Variant type: single nucleotide variant.
Coding change: c.1091T>C on transcript NM_001933.5 (MANE Select); coding-DNA position 1091, T replaced by C.
Protein change: p.Met364Thr; replaces methionine 364 with threonine.
Molecular consequence: missense variant. On other transcripts: non-coding transcript variant (2).
Genome position (GRCh38, 1-based): chr14:74,901,097, T>C. VCF-style: chr14-74901097-T-C. GRCh37 (hg19) VCF-style: chr14-75367800-T-C.
Other names: short protein forms M364T.
Identifiers: ClinVar variation 4807483 (VCV004807483.1).

ClinVar aggregate classification (germline): Uncertain significance (1 of 4 stars; one submission).

gnomAD v4.1: 192 of 1,613,808 alleles (0.012%); highest among the groups gnomAD compares: Middle Eastern, 0.016%; no homozygotes.

Submission:

Labcorp Genetics (formerly Invitae), Labcorp
Classification: Uncertain significance. Last evaluated: 2025-12-17. Review status: criteria provided, single submitter. Criteria: Invitae Variant Classification Sherloc (09022015). Collection method: clinical testing. Allele origin: germline.
Comment: This sequence change replaces methionine, which is neutral and non-polar, with threonine, which is neutral and polar, at codon 364 of the DLST protein (p.Met364Thr). This variant is present in population databases (rs748546051, gnomAD 0.008%). This variant has not been reported in the literature in individuals affected with DLST-related conditions. Invitae Evidence Modeling of protein sequence and biophysical properties (such as structural, functional, and spatial information, amino acid conservation, physicochemical variation, residue mobility, and thermodynamic stability) indicates that this missense variant is expected to disrupt DLST protein function with a positive predictive value of 80%. In summary, the available evidence is currently insufficient to determine the role of this variant in disease. Therefore, it has been classified as a Variant of Uncertain Significance.